The following is an entry in ClinVar:

ClinVar aggregate classification (germline): Conflicting classifications of pathogenicity. Review status: criteria provided, conflicting classifications (1 of 4 stars). 3 submissions from 3 submitters: Uncertain significance (2); Likely benign (1). Last evaluated 2025-01-06.

Conditions:
Inborn genetic diseases. Identifiers: MedGen C0950123, MeSH D030342.
Mucopolysaccharidosis, MPS-III-A (MPS3A). Also called: MUCOPOLYSACCHARIDOSIS, TYPE IIIA, ATTENUATED; Mucopolysaccharidosis type IIIA (Sanfilippo A); mucopolysaccharidosis type 3A; MPS IIIA (Sanfilippo Syndrome Type A); MPS III A; HEPARAN SULFATE SULFATASE DEFICIENCY. Identifiers: Orphanet 581, Orphanet 79269, MedGen C0086647, MONDO:0009655, OMIM 252900.

Allele frequency attached by ClinVar (database versions not stated): ExAC 0.00003; ESP Exome Variant Server 0.00008; gnomAD 0.00008 and 0.00009; gnomAD exomes 0.00003 and 0.00004; TOPMed 0.00008.
gnomAD v4.1: 59 of 1,613,742 alleles (0.0037%); highest among the groups gnomAD compares: Admixed American, 0.017%; no homozygotes.

Submissions (3):

Labcorp Genetics (formerly Invitae), Labcorp
Classification: Uncertain significance for Mucopolysaccharidosis, MPS-III-A. Last evaluated: 2025-01-06. Review status: criteria provided, single submitter. Criteria: Invitae Variant Classification Sherloc (09022015). Collection method: clinical testing. Allele origin: germline.
Comment: This sequence change replaces arginine, which is basic and polar, with glutamine, which is neutral and polar, at codon 443 of the SGSH protein (p.Arg443Gln). This variant is present in population databases (rs377605690, gnomAD 0.01%). This variant has not been reported in the literature in individuals affected with SGSH-related conditions. ClinVar contains an entry for this variant (Variation ID: 325828). Invitae Evidence Modeling of protein sequence and biophysical properties (such as structural, functional, and spatial information, amino acid conservation, physicochemical variation, residue mobility, and thermodynamic stability) indicates that this missense variant is not expected to disrupt SGSH protein function with a negative predictive value of 95%. In summary, the available evidence is currently insufficient to determine the role of this variant in disease. Therefore, it has been classified as a Variant of Uncertain Significance.

Ambry Genetics
Classification: Likely benign for Inborn genetic diseases. Last evaluated: 2022-12-28. Review status: criteria provided, single submitter. Criteria: Ambry Variant Classification Scheme 2023. Collection method: clinical testing. Allele origin: germline.

Genome-Nilou Lab
Classification: Uncertain significance for Mucopolysaccharidosis, MPS-III-A. Last evaluated: 2021-11-07. Review status: criteria provided, single submitter. Criteria: ACMG Guidelines, 2015. Collection method: clinical testing. Allele origin: germline. Affected: no.

NM_000199.5(SGSH):c.1328G>A (p.Arg443Gln)

Gene: SGSH (N-sulfoglucosamine sulfohydrolase; minus strand). Cytogenetic location: 17q25.3.
Variant type: single nucleotide variant.
Coding change: c.1328G>A on transcript NM_000199.5 (MANE Select); coding-DNA position 1328, G replaced by A.
Protein change: p.Arg443Gln; replaces arginine 443 with glutamine.
Molecular consequence: missense variant. On other transcripts: 3 prime UTR variant (2), non-coding transcript variant (1).
Genome position (GRCh38, 1-based): chr17:80,210,633, C>T on the plus strand (G>A on the coding strand, the complement: SGSH is on the minus strand). VCF-style: chr17-80210633-C-T. GRCh37 (hg19) VCF-style: chr17-78184432-C-T.
Other names: c.*415G>A (NM_001352921.3); c.*378G>A (NM_001352922.2); short protein forms R443Q.
Identifiers: ClinVar variation 325828 (VCV000325828.11), dbSNP rs377605690, ClinGen allele CA8817609.
Genomic context (GRCh38, chr17:80,210,633, plus strand): 5'-ATCTCCAGAAGCTGAGCAAAGCGCGGGTCGGTGGCCAGGTTCTGGGTCTCGTGGGGGTCC[C>T]GGCTCCGGTCGTAGAGCTCCCAGCGCGCCCGGTAGTAGTAATGACGGAGGTCCTTGTACC-3'
Protein context (NP_000190.1, residues 433-453): RARWELYDRS[Arg443Gln]DPHETQNLAT